The following is an entry in ClinVar:

NM_001130438.3(SPTAN1):c.7061A>C (p.Lys2354Thr)

Gene: SPTAN1 (spectrin alpha, non-erythrocytic 1; plus strand). Cytogenetic location: 9q34.11.
Variant type: single nucleotide variant.
Coding change: c.7061A>C on transcript NM_001130438.3 (MANE Select); coding-DNA position 7061, A replaced by C.
Protein change: p.Lys2354Thr; replaces lysine 2354 with threonine.
Molecular consequence: missense variant.
Genome position (GRCh38, 1-based): chr9:128,632,619, A>C. VCF-style: chr9-128632619-A-C. GRCh37 (hg19) VCF-style: chr9-131394898-A-C.
Other names: c.6986A>C, p.Lys2329Thr (NM_001195532.2); c.7124A>C, p.Lys2375Thr (NM_001363759.2); c.7001A>C, p.Lys2334Thr (NM_001363765.2, NM_001375314.2); c.7148A>C, p.Lys2383Thr (NM_001375310.1); c.7061A>C, p.Lys2354Thr (NM_001375311.2); c.7097A>C, p.Lys2366Thr (NM_001375312.2); c.7043A>C, p.Lys2348Thr (NM_001375313.1); c.7160A>C, p.Lys2387Thr (NM_001375318.1); and 1 more; short protein forms K2334T, K2348T, K2387T, K2383T, K2329T, K2349T, K2354T, K2375T.
Identifiers: ClinVar variation 805524 (VCV000805524.3), dbSNP rs768911375, ClinGen allele CA375100502.

ClinVar aggregate classification (germline): Uncertain significance. Review status: criteria provided, multiple submitters, no conflicts (2 of 4 stars). 3 submissions from 3 submitters: Uncertain significance (3). Last evaluated 2025-11-03.

Conditions:
SPTAN1-related disorder. Also called: SPTAN1-related disorders; SPTAN1-related condition.

gnomAD v4.1: 1 of 1,614,094 alleles (0.000062%); highest among the groups gnomAD compares: Non-Finnish European, 0.000085%; no homozygotes.

Submissions (3):

PreventionGenetics, part of Exact Sciences
Classification: Uncertain significance for SPTAN1-related condition. Last evaluated: 2025-11-03. Review status: criteria provided, single submitter. Criteria: ACMG Guidelines, 2015. Collection method: clinical testing. Allele origin: germline.
Comment: The SPTAN1 c.7061A>C variant is predicted to result in the amino acid substitution p.Lys2354Thr. To our knowledge, this variant has not been reported in the literature. This variant is reported in 0.00088% of alleles in individuals of European (Non-Finnish) descent in gnomAD. At this time, the clinical significance of this variant is uncertain due to the absence of conclusive functional and genetic evidence.

GeneDx
Classification: Uncertain significance. Last evaluated: 2022-10-18. Review status: criteria provided, single submitter. Criteria: GeneDx Variant Classification Process June 2021. Collection method: clinical testing. Allele origin: germline. Affected: yes.
Comment: In silico analysis supports that this missense variant has a deleterious effect on protein structure/function; Has not been previously published as pathogenic or benign to our knowledge

Athena Diagnostics
Classification: Uncertain significance. Last evaluated: 2018-11-01. Review status: criteria provided, single submitter. Criteria: Athena Diagnostics Criteria. Collection method: clinical testing. Allele origin: germline.